The following is an entry in ClinVar:

NM_000426.4(LAMA2):c.2270G>C (p.Cys757Ser)

Gene: LAMA2 (laminin subunit alpha 2; plus strand). Cytogenetic location: 6q22.33.
Variant type: single nucleotide variant.
Coding change: c.2270G>C on transcript NM_000426.4 (MANE Select); coding-DNA position 2270, G replaced by C.
Protein change: p.Cys757Ser; replaces cysteine 757 with serine.
Molecular consequence: missense variant.
Genome position (GRCh38, 1-based): chr6:129,267,167, G>C. VCF-style: chr6-129267167-G-C. GRCh37 (hg19) VCF-style: chr6-129588312-G-C.
Other names: c.2270G>C, p.Cys757Ser (NM_001079823.2); short protein forms C757S.
Identifiers: ClinVar variation 3254680 (VCV003254680.1), dbSNP rs2482194552.

ClinVar aggregate classification (germline): Uncertain significance (1 of 4 stars; one submission).

Conditions:
LAMA2-related muscular dystrophy (LAMA2-RD). Also called: Laminin alpha 2-related dystrophy. Identifiers: MedGen C5679788, MONDO:0100228.

Submission:

Victorian Clinical Genetics Services, Murdoch Childrens Research Institute
Classification: Uncertain significance for LAMA2-related muscular dystrophy. Last evaluated: 2023-12-21. Review status: criteria provided, single submitter. Criteria: ACMG Guidelines, 2015. Collection method: clinical testing. Allele origin: germline. Inheritance: Autosomal recessive inheritance. Affected: yes.
Comment: Based on the classification scheme VCGS_Germline_v1.3.4, this variant is classified as VUS-3A. Following criteria are met: 0102 - Loss of function is a known mechanism of disease in this gene and is associated with LAMA2-related muscular dystrophy (MONDO:0100228). (I) 0106 - This gene is associated with autosomal recessive disease. (I) 0200 - Variant is predicted to result in a missense amino acid change from cysteine to serine. (I) 0252 - This variant is homozygous. (I) 0301 - Variant is absent from gnomAD (both v2 and v3). (SP) 0501 - Missense variant consistently predicted to be damaging by multiple in silico tools or highly conserved with a major amino acid change. (SP) 0600 - Variant is located in the annotated Laminin EGF domain and is involved in a disulphide bond (DECIPHER, PMID: 30055037). (I) 0705 - No comparable missense variants have previous evidence for pathogenicity. (I) 0807 - This variant has no previous evidence of pathogenicity. (I) 0905 - No published segregation evidence has been identified for this variant. (I) 1007 - No published functional evidence has been identified for this variant. (I) 1102 - Strong phenotype match for this individual. (I) Legend: (SP) - Supporting pathogenic, (I) - Information, (SB) - Supporting benign

Literature cited by the submitters: PubMed 30055037.